The following is an entry in ClinVar:

NM_001130987.2(DYSF):c.5255del (p.Ala1752fs)

Gene: DYSF (dysferlin; plus strand). Cytogenetic location: 2p13.2.
Variant type: Deletion.
Coding change: c.5255del on transcript NM_001130987.2 (MANE Select); coding-DNA position 5255, one base deleted (C; older notation c.5255delC).
Protein change: p.Ala1752fs; shifts the reading frame from alanine 1752.
Molecular consequence: frameshift variant.
Genome position (GRCh38, 1-based): chr2:71,665,242, C deleted. VCF-style (leftmost placement, unchanged base first): chr2-71665241-GC-G. GRCh37 (hg19) VCF-style: chr2-71892371-GC-G.
Other names: c.5141del, p.Ala1714fs (NM_001130455.2); c.5096del, p.Ala1699fs (NM_001130976.2); c.5159del, p.Ala1720fs (NM_001130977.2); c.5201del, p.Ala1734fs (NM_001130978.2); c.5231del, p.Ala1744fs (NM_001130979.2); c.5189del, p.Ala1730fs (NM_001130980.2); c.5252del, p.Ala1751fs (NM_001130981.2); c.5234del, p.Ala1745fs (NM_001130982.2); and 5 more; short protein forms A1699fs, A1700fs, A1713fs, A1714fs, A1720fs, A1721fs, A1730fs, A1731fs.
Identifiers: ClinVar variation 1726436 (VCV001726436.3), dbSNP rs2546547454, ClinGen allele CA2580067940.

ClinVar aggregate classification (germline): Likely pathogenic (1 of 4 stars; one submission).

Conditions:
Autosomal recessive limb-girdle muscular dystrophy. Identifiers: Orphanet 102015, MedGen C2931907, MONDO:0015152.

Submission:

Myriad Genetics, Inc.
Classification: Likely pathogenic for Autosomal recessive limb-girdle muscular dystrophy. Last evaluated: 2021-12-17. Review status: criteria provided, single submitter. Criteria: Myriad Autosomal Dominant, Autosomal Recessive and X-Linked Classification Criteria (2023). Collection method: clinical testing. Allele origin: unknown.
Comment: NM_003494.3(DYSF):c.5138delC(A1713Dfs*9) is expected to be pathogenic in the context of dysferlinopathy. This variant is predicted to lead to an abnormal or absent protein product due to the creation of a premature termination codon in DYSF, a gene where loss-of-function variants are known to be pathogenic. Please note: this variant was assessed in the context of healthy population screening.